The following is an entry in ClinVar:

ClinVar aggregate classification (germline): Uncertain significance. Review status: criteria provided, multiple submitters, no conflicts (2 of 4 stars). 4 submissions from 4 submitters: Uncertain significance (4). Last evaluated 2025-12-21.

Conditions:
Waardenburg syndrome type 2A (WS2A). Also called: WAARDENBURG SYNDROME WITHOUT DYSTOPIA CANTHORUM. Identifiers: Orphanet 3440, MedGen C1860339, MONDO:0008671, OMIM 193510.
Melanoma, cutaneous malignant, susceptibility to, 8. Also called: MELANOMA AND RENAL CELL CARCINOMA, SUSCEPTIBILITY TO; Cutaneous malignant melanoma 8. Identifiers: Orphanet 293822, MedGen C3152204, MONDO:0013759, OMIM 614456.
Tietz syndrome (TADS). Also called: HYPOPIGMENTATION/DEAFNESS OF TIETZ; TIETZ ALBINISM-DEAFNESS SYNDROME; ALBINISM-DEAFNESS OF TIETZ. Identifiers: Orphanet 42665, MedGen C0391816, MONDO:0007077, OMIM 103500.
Hereditary cancer-predisposing syndrome. Also called: Hereditary Cancer Syndrome; Neoplastic Syndromes, Hereditary; Tumor predisposition; Hereditary neoplastic syndrome. Identifiers: Orphanet 140162, MedGen C0027672, MeSH D009386, MONDO:0015356.

Allele frequency attached by ClinVar (database versions not stated): gnomAD exomes 0.00001.

Submissions (4):

Labcorp Genetics (formerly Invitae), Labcorp
Classification: Uncertain significance for Melanoma, cutaneous malignant, susceptibility to, 8; Waardenburg syndrome type 2A; Tietz syndrome. Last evaluated: 2025-12-21. Review status: criteria provided, single submitter. Criteria: Invitae Variant Classification Sherloc (09022015). Collection method: clinical testing. Allele origin: germline.
Comment: This sequence change replaces proline, which is neutral and non-polar, with threonine, which is neutral and polar, at codon 63 of the MITF protein (p.Pro63Thr). This variant is not present in population databases (gnomAD no frequency). This variant has not been reported in the literature in individuals affected with MITF-related conditions. ClinVar contains an entry for this variant (Variation ID: 1314673). Invitae Evidence Modeling of protein sequence and biophysical properties (such as structural, functional, and spatial information, amino acid conservation, physicochemical variation, residue mobility, and thermodynamic stability) indicates that this missense variant is not expected to disrupt MITF protein function with a negative predictive value of 80%. In summary, the available evidence is currently insufficient to determine the role of this variant in disease. Therefore, it has been classified as a Variant of Uncertain Significance.

Ambry Genetics
Classification: Uncertain significance for Hereditary cancer-predisposing syndrome. Last evaluated: 2025-01-09. Review status: criteria provided, single submitter. Criteria: Ambry Variant Classification Scheme 2023. Collection method: clinical testing. Allele origin: germline.
Comment: The p.P63T variant (also known as c.187C>A), located in coding exon 2 of the MITF gene, results from a C to A substitution at nucleotide position 187. The proline at codon 63 is replaced by threonine, an amino acid with highly similar properties. This amino acid position is conserved. In addition, this alteration is predicted to be tolerated by in silico analysis. Based on the available evidence, the clinical significance of this variant remains unclear.

Blueprint Genetics
Classification: Uncertain significance. Last evaluated: 2023-02-22. Review status: criteria provided, single submitter. Criteria: ACMG Guidelines, 2015. Collection method: clinical testing. Allele origin: germline.

GeneDx
Classification: Uncertain significance. Last evaluated: 2021-04-13. Review status: criteria provided, single submitter. Criteria: GeneDx Variant Classification Process June 2021. Collection method: clinical testing. Allele origin: germline. Affected: yes.
Comment: Not observed in large population cohorts (Lek et al., 2016); In silico analysis supports that this missense variant has a deleterious effect on protein structure/function; Has not been previously published as pathogenic or benign to our knowledge

NM_001354604.2(MITF):c.508C>A (p.Pro170Thr)

Gene: MITF (melanocyte inducing transcription factor; plus strand). Cytogenetic location: 3p13.
Variant type: single nucleotide variant.
Coding change: c.508C>A on transcript NM_001354604.2 (MANE Select); coding-DNA position 508, C replaced by A.
Protein change: p.Pro170Thr; replaces proline 170 with threonine.
Molecular consequence: missense variant. On other transcripts: intron variant (1).
Genome position (GRCh38, 1-based): chr3:69,937,975, C>A. VCF-style: chr3-69937975-C-A. GRCh37 (hg19) VCF-style: chr3-69987126-C-A.
Other names: c.187C>A, p.Pro63Thr (NM_000248.4, NM_001184968.2, NM_198158.3); c.352C>A, p.Pro118Thr (NM_001184967.2, NM_001354608.2); c.505C>A, p.Pro169Thr (NM_001354605.2, NM_001354606.2, NM_006722.3); c.457C>A, p.Pro153Thr (NM_001354607.2); c.508C>A, p.Pro170Thr (NM_198159.3); c.460C>A, p.Pro154Thr (NM_198177.3); c.93+94C>A (NM_198178.3); short protein forms P118T, P153T, P154T, P169T, P170T, P63T.
Identifiers: ClinVar variation 1314673 (VCV001314673.8), dbSNP rs2065882320, ClinGen allele CA353560590.
Genomic context (GRCh38, chr3:69,937,975, plus strand): 5'-AAACATGCCAACCAAGTCCTGAGCTTGCCATGTCCAAACCAGCCTGGCGATCATGTCATG[C>A]CACCGGTGCCGGGGAGCAGCGCACCCAACAGCCCCATGGCTATGCTTACGCTTAACTCCA-3'
Protein context (NP_001341533.1, residues 160-180): CPNQPGDHVM[Pro170Thr]PVPGSSAPNS